The following is an entry in ClinVar:

ClinVar aggregate classification (germline): Pathogenic (1 of 4 stars; one submission).

Conditions:
Multiple endocrine neoplasia, type 1 (MEN1). Also called: MEN I; WERMER SYNDROME; Endocrine adenomatosis multiple; MEN 1; MEA I. Identifiers: Orphanet 652, MedGen C0025267, MeSH D018761, MONDO:0007540, OMIM 131100.

Submission:

Labcorp Genetics (formerly Invitae), Labcorp
Classification: Pathogenic for Multiple endocrine neoplasia, type 1. Last evaluated: 2020-02-25. Review status: criteria provided, single submitter. Criteria: Invitae Variant Classification Sherloc (09022015). Collection method: clinical testing. Allele origin: germline.
Comment: This sequence change creates a premature translational stop signal (p.Leu170Valfs*16) in the MEN1 gene. It is expected to result in an absent or disrupted protein product. This variant is not present in population databases (ExAC no frequency). This variant has not been reported in the literature in individuals with MEN1-related conditions. Loss-of-function variants in MEN1 are known to be pathogenic (PMID: 12112656, 17853334). For these reasons, this variant has been classified as Pathogenic.

Literature cited by the submitters: PubMed 12112656; PubMed 17853334.

NM_001370259.2(MEN1):c.506_507dup (p.Leu170fs)

Gene: MEN1 (menin 1; minus strand). Cytogenetic location: 11q13.1.
Variant type: Duplication.
Coding change: c.506_507dup on transcript NM_001370259.2 (MANE Select); coding-DNA positions 506 to 507, 2 bases duplicated (GT; older notation c.506_507dupGT).
Protein change: p.Leu170fs; shifts the reading frame from leucine 170.
Molecular consequence: frameshift variant.
Genome position (GRCh38, 1-based): chr11:64,808,038-64,808,039, AC duplicated on the plus strand (GT on the coding strand, the reverse complement: MEN1 is on the minus strand). VCF-style (leftmost placement, unchanged base first): chr11-64808037-G-GAC. GRCh37 (hg19) VCF-style: chr11-64575509-G-GAC.
Other names: c.521_522dup, p.Leu175fs (NM_000244.4, NM_130800.3, NM_130801.3 and 3 more transcripts); c.506_507dup, p.Leu170fs (NM_001370251.2, NM_001370260.2, NM_001370261.2 and 3 more transcripts); short protein forms L170fs, L175fs.
Identifiers: ClinVar variation 1072303 (VCV001072303.8), dbSNP rs2136156268, ClinGen allele CA2499221164.